The following is an entry in ClinVar:

NM_000264.5(PTCH1):c.3400C>G (p.Leu1134Val)

Gene: PTCH1 (patched 1; minus strand). Cytogenetic location: 9q22.32.
Variant type: single nucleotide variant.
Coding change: c.3400C>G on transcript NM_000264.5 (MANE Select); coding-DNA position 3400, C replaced by G.
Protein change: p.Leu1134Val; replaces leucine 1134 with valine.
Molecular consequence: missense variant. On other transcripts: non-coding transcript variant (1).
Genome position (GRCh38, 1-based): chr9:95,453,527, G>C on the plus strand (C>G on the coding strand, the complement: PTCH1 is on the minus strand). VCF-style: chr9-95453527-G-C. GRCh37 (hg19) VCF-style: chr9-98215809-G-C.
Other names: c.3202C>G, p.Leu1068Val (NM_001083602.3); c.3397C>G, p.Leu1133Val (NM_001083603.3); c.2947C>G, p.Leu983Val (NM_001083604.3, NM_001083605.3, NM_001083606.3 and 1 more transcripts); c.3244C>G, p.Leu1082Val (NM_001354918.2); short protein forms L1082V, L1134V, L983V, L1068V, L1133V.
Identifiers: ClinVar variation 960138 (VCV000960138.12), dbSNP rs1838656000, ClinGen allele CA374111748.

ClinVar aggregate classification (germline): Uncertain significance. Review status: criteria provided, multiple submitters, no conflicts (2 of 4 stars). 3 submissions from 3 submitters: Uncertain significance (3). Last evaluated 2023-05-26.

Conditions:
Basal cell carcinoma, susceptibility to, 1. Also called: BCC1. Identifiers: MedGen C2751544, MONDO:0011556, OMIM 605462.
Hereditary cancer-predisposing syndrome. Also called: Hereditary neoplastic syndrome; Tumor predisposition; Neoplastic Syndromes, Hereditary; Hereditary Cancer Syndrome. Identifiers: Orphanet 140162, MedGen C0027672, MeSH D009386, MONDO:0015356.
Gorlin syndrome. Also called: Basal cell nevus syndrome; Nevoid Basal Cell Carcinoma Syndrome. Identifiers: Orphanet 377, MedGen C0004779, MONDO:0007187.

Allele frequency attached by ClinVar (database versions not stated): gnomAD exomes 0.00001.

Submissions (3):

Baylor Genetics
Classification: Uncertain significance for Basal cell carcinoma, susceptibility to, 1. Last evaluated: 2023-05-26. Review status: criteria provided, single submitter. Criteria: ACMG Guidelines, 2015. Collection method: clinical testing. Allele origin: unknown.

Ambry Genetics
Classification: Uncertain significance for Hereditary cancer-predisposing syndrome. Last evaluated: 2023-02-10. Review status: criteria provided, single submitter. Criteria: Ambry Variant Classification Scheme 2023. Collection method: clinical testing. Allele origin: germline.
Comment: The p.L1134V variant (also known as c.3400C>G), located in coding exon 20 of the PTCH1 gene, results from a C to G substitution at nucleotide position 3400. The leucine at codon 1134 is replaced by valine, an amino acid with highly similar properties. This amino acid position is conserved. In addition, the in silico prediction for this alteration is inconclusive. Since supporting evidence is limited at this time, the clinical significance of this alteration remains unclear.

Labcorp Genetics (formerly Invitae), Labcorp
Classification: Uncertain significance for Gorlin syndrome. Last evaluated: 2022-11-15. Review status: criteria provided, single submitter. Criteria: Invitae Variant Classification Sherloc (09022015). Collection method: clinical testing. Allele origin: germline.
Comment: This variant has not been reported in the literature in individuals affected with PTCH1-related conditions. In summary, the available evidence is currently insufficient to determine the role of this variant in disease. Therefore, it has been classified as a Variant of Uncertain Significance. Advanced modeling of protein sequence and biophysical properties (such as structural, functional, and spatial information, amino acid conservation, physicochemical variation, residue mobility, and thermodynamic stability) performed at Invitae indicates that this missense variant is not expected to disrupt PTCH1 protein function. ClinVar contains an entry for this variant (Variation ID: 960138). This variant is not present in population databases (gnomAD no frequency). This sequence change replaces leucine, which is neutral and non-polar, with valine, which is neutral and non-polar, at codon 1134 of the PTCH1 protein (p.Leu1134Val).